The following is an entry in ClinVar:

ClinVar aggregate classification (germline): Uncertain significance (1 of 4 stars; one submission).

Conditions:
PRPH2-related disorder. Also called: PRPH2-related condition; PRPH2-related disorders. Identifiers: MedGen CN239395.

Allele frequency attached by ClinVar (database versions not stated): gnomAD exomes below 0.00001.
gnomAD v4.1: 1 of 1,614,126 alleles (0.000062%); highest among the groups gnomAD compares: Non-Finnish European, 0.000085%; no homozygotes.

Submission:

Labcorp Genetics (formerly Invitae), Labcorp
Classification: Uncertain significance for PRPH2-related disorder. Last evaluated: 2020-05-21. Review status: criteria provided, single submitter. Criteria: Invitae Variant Classification Sherloc (09022015). Collection method: clinical testing. Allele origin: germline.
Comment: In summary, the available evidence is currently insufficient to determine the role of this variant in disease. Therefore, it has been classified as a Variant of Uncertain Significance. Algorithms developed to predict the effect of missense changes on protein structure and function are either unavailable or do not agree on the potential impact of this missense change (SIFT: "Deleterious"; PolyPhen-2: "Benign"; Align-GVGD: "Class C0"). This variant has not been reported in the literature in individuals with PRPH2-related conditions. This variant is not present in population databases (ExAC no frequency). This sequence change replaces lysine with glutamic acid at codon 47 of the PRPH2 protein (p.Lys47Glu). The lysine residue is highly conserved and there is a small physicochemical difference between lysine and glutamic acid.

NM_000322.5(PRPH2):c.139A>G (p.Lys47Glu)

Gene: PRPH2 (peripherin 2; minus strand). Cytogenetic location: 6p21.1.
Variant type: single nucleotide variant.
Coding change: c.139A>G on transcript NM_000322.5 (MANE Select); coding-DNA position 139, A replaced by G.
Protein change: p.Lys47Glu; replaces lysine 47 with glutamic acid.
Molecular consequence: missense variant.
Genome position (GRCh38, 1-based): chr6:42,722,196, T>C on the plus strand (A>G on the coding strand, the complement: PRPH2 is on the minus strand). VCF-style: chr6-42722196-T-C. GRCh37 (hg19) VCF-style: chr6-42689934-T-C.
Other names: short protein forms K47E.
Identifiers: ClinVar variation 999427 (VCV000999427.8), dbSNP rs1562434309, ClinGen allele CA364138692.